The following is an entry in ClinVar:

NM_032043.3(BRIP1):c.2516G>A (p.Trp839Ter)

Gene: BRIP1 (BRCA1 interacting DNA helicase 1; minus strand). Cytogenetic location: 17q23.2.
Variant type: single nucleotide variant.
Coding change: c.2516G>A on transcript NM_032043.3 (MANE Select); coding-DNA position 2516, G replaced by A.
Protein change: p.Trp839Ter; replaces tryptophan 839 with a stop codon.
Molecular consequence: nonsense.
Genome position (GRCh38, 1-based): chr17:61,693,489, C>T on the plus strand (G>A on the coding strand, the complement: BRIP1 is on the minus strand). VCF-style: chr17-61693489-C-T. GRCh37 (hg19) VCF-style: chr17-59770850-C-T.
Other names: short protein forms W839*.
Identifiers: ClinVar variation 2084365 (VCV002084365.7), dbSNP rs2144187284, ClinGen allele CA400482456.
Genomic context (GRCh38, chr17:61,693,489, plus strand): 5'-CCAGATATATAGCGACTTGGGTTATTCCTAAAGCGATCATCCACTAGAATAAGAGCTCCC[C>T]AATCATTTCTGTGTCTAATACATCTAGAAAAAATAGGGAAAAAGTCAAATAATTATAACA-3'

ClinVar aggregate classification (germline): Pathogenic. Review status: criteria provided, multiple submitters, no conflicts (2 of 4 stars). 4 submissions from 4 submitters: Pathogenic (4). Last evaluated 2025-05-01.

Conditions:
Hereditary cancer-predisposing syndrome. Also called: Hereditary Cancer Syndrome; Hereditary neoplastic syndrome; Neoplastic Syndromes, Hereditary; Tumor predisposition. Identifiers: Orphanet 140162, MedGen C0027672, MeSH D009386, MONDO:0015356.
Familial cancer of breast. Also called: hereditary breast carcinoma; Hereditary breast cancer; BREAST CANCER, FAMILIAL. Identifiers: Orphanet 227535, MedGen C0346153, MONDO:0016419, OMIM 114480. Disease mechanism: loss of function.
Fanconi anemia complementation group J. Also called: BRIP1-Related Fanconi Anemia. Identifiers: Orphanet 84, MedGen C1836860, MONDO:0012187, OMIM 609054.

Submissions (4):

Ambry Genetics
Classification: Pathogenic for Hereditary cancer-predisposing syndrome. Last evaluated: 2025-05-01. Review status: criteria provided, single submitter. Criteria: Ambry Variant Classification Scheme 2023. Collection method: clinical testing. Allele origin: germline.
Comment: The p.W839* pathogenic mutation (also known as c.2516G>A), located in coding exon 17 of the BRIP1 gene, results from a G to A substitution at nucleotide position 2516. This changes the amino acid from a tryptophan to a stop codon within coding exon 17. This variant is considered to be rare based on population cohorts in the Genome Aggregation Database (gnomAD). This alteration is expected to result in loss of function by premature protein truncation or nonsense-mediated mRNA decay. As such, this alteration is interpreted as a disease-causing mutation.

Color Diagnostics, LLC DBA Color Health
Classification: Pathogenic for Hereditary cancer-predisposing syndrome. Last evaluated: 2024-03-11. Review status: criteria provided, single submitter. Criteria: ACMG Guidelines, 2015. Collection method: clinical testing. Allele origin: germline.
Comment: This variant changes 1 nucleotide in exon 18/20 of the BRIP1 gene, creating a premature translation stop signal. This variant is expected to result in an absent or non-functional protein product. To our knowledge, this variant has not been reported in individuals affected with BRIP1-related disorders in the literature. This variant has not been identified in the general population by the Genome Aggregation Database (gnomAD). Loss of BRIP1 function is a known mechanism of disease. Based on the available evidence, this variant is classified as Pathogenic.

Myriad Genetics, Inc.
Classification: Pathogenic for Familial cancer of breast. Last evaluated: 2023-01-11. Review status: criteria provided, single submitter. Criteria: Myriad Autosomal Dominant, Autosomal Recessive and X-Linked Classification Criteria (2023). Collection method: clinical testing. Allele origin: unknown.
Comment: This variant is considered pathogenic. This variant creates a termination codon and is predicted to result in premature protein truncation.

Labcorp Genetics (formerly Invitae), Labcorp
Classification: Pathogenic for Familial cancer of breast; Fanconi anemia complementation group J. Last evaluated: 2022-01-15. Review status: criteria provided, single submitter. Criteria: Invitae Variant Classification Sherloc (09022015). Collection method: clinical testing. Allele origin: germline.
Comment: This variant has not been reported in the literature in individuals affected with BRIP1-related conditions. For these reasons, this variant has been classified as Pathogenic. This variant is not present in population databases (gnomAD no frequency). This sequence change creates a premature translational stop signal (p.Trp839*) in the BRIP1 gene. It is expected to result in an absent or disrupted protein product. Loss-of-function variants in BRIP1 are known to be pathogenic (PMID: 16116423, 17033622, 21964575).

Literature cited by the submitters: PubMed 16116423 (cited by Labcorp Genetics (formerly Invitae), Labcorp); PubMed 17033622 (cited by Labcorp Genetics (formerly Invitae), Labcorp); PubMed 21964575 (cited by Labcorp Genetics (formerly Invitae), Labcorp).